The following is an entry in ClinVar:

ClinVar aggregate classification (germline): Pathogenic (1 of 4 stars; one submission).

Submission:

Labcorp Genetics (formerly Invitae), Labcorp
Classification: Pathogenic. Last evaluated: 2024-07-31. Review status: criteria provided, single submitter. Criteria: Invitae Variant Classification Sherloc (09022015). Collection method: clinical testing. Allele origin: germline.
Comment: This sequence change falls in intron 5 of the FBXO11 gene. It does not directly change the encoded amino acid sequence of the FBXO11 protein. It affects a nucleotide within the consensus splice site. This variant is not present in population databases (gnomAD no frequency). This variant has been observed in individual(s) with FBXO11-related conditions (Invitae). In at least one individual the variant was observed to be de novo. Variants that disrupt the consensus splice site are a relatively common cause of aberrant splicing (PMID: 17576681, 9536098). Algorithms developed to predict the effect of sequence changes on RNA splicing suggest that this variant may disrupt the consensus splice site. For these reasons, this variant has been classified as Pathogenic.

Literature cited by the submitters: PubMed 17576681; PubMed 9536098.

NM_001190274.2(FBXO11):c.717+5G>C

Gene: FBXO11 (F-box protein 11; minus strand). Cytogenetic location: 2p16.3.
Variant type: single nucleotide variant.
Coding change: c.717+5G>C on transcript NM_001190274.2 (MANE Select); 5 bases into the intron after coding-DNA position 717, G replaced by C.
Molecular consequence: intron variant.
Genome position (GRCh38, 1-based): chr2:47,835,867, C>G on the plus strand (G>C on the coding strand, the complement: FBXO11 is on the minus strand). VCF-style: chr2-47835867-C-G. GRCh37 (hg19) VCF-style: chr2-48063006-C-G.
Other names: c.465+5G>C (NM_001374325.1, NM_025133.4).
Identifiers: ClinVar variation 3657270 (VCV003657270.2).